The following is an entry in ClinVar:

NM_015488.5(PNKD):c.356T>C (p.Val119Ala)

Genes: CATIP-AS2 (CATIP antisense RNA 2; minus strand), PNKD (PNKD metallo-beta-lactamase domain containing; plus strand). Cytogenetic location: 2q35.
Variant type: single nucleotide variant.
Coding change: c.356T>C on transcript NM_015488.5 (MANE Select); coding-DNA position 356, T replaced by C.
Protein change: p.Val119Ala; replaces valine 119 with alanine.
Molecular consequence: missense variant.
Genome position (GRCh38, 1-based): chr2:218,340,032, T>C. VCF-style: chr2-218340032-T-C. GRCh37 (hg19) VCF-style: chr2-219204755-T-C.
Other names: c.284T>C, p.Val95Ala (NM_022572.5); short protein forms V119A, V95A.
Identifiers: ClinVar variation 2717737 (VCV002717737.3), dbSNP rs371779785, ClinGen allele CA65758965.

ClinVar aggregate classification (germline): Uncertain significance (1 of 4 stars; one submission).

Conditions:
Paroxysmal nonkinesigenic dyskinesia. Also called: Paroxysmal non-kinesigenic dyskinesia. Identifiers: Orphanet 98810, MedGen C1869117, MONDO:0700088.

Submission:

Labcorp Genetics (formerly Invitae), Labcorp
Classification: Uncertain significance for Paroxysmal nonkinesigenic dyskinesia. Last evaluated: 2023-05-25. Review status: criteria provided, single submitter. Criteria: Invitae Variant Classification Sherloc (09022015). Collection method: clinical testing. Allele origin: germline.
Comment: In summary, the available evidence is currently insufficient to determine the role of this variant in disease. Therefore, it has been classified as a Variant of Uncertain Significance. Advanced modeling of protein sequence and biophysical properties (such as structural, functional, and spatial information, amino acid conservation, physicochemical variation, residue mobility, and thermodynamic stability) performed at Invitae indicates that this missense variant is not expected to disrupt PNKD protein function. This variant has not been reported in the literature in individuals affected with PNKD-related conditions. This variant is not present in population databases (gnomAD no frequency). This sequence change replaces valine, which is neutral and non-polar, with alanine, which is neutral and non-polar, at codon 119 of the PNKD protein (p.Val119Ala).